The following is an entry in ClinVar:

NM_001252024.2(TRPM1):c.2285G>C (p.Arg762Thr)

Gene: TRPM1 (transient receptor potential cation channel subfamily M member 1; minus strand). Cytogenetic location: 15q13.3.
Variant type: single nucleotide variant.
Coding change: c.2285G>C on transcript NM_001252024.2 (MANE Select); coding-DNA position 2285, G replaced by C.
Protein change: p.Arg762Thr; replaces arginine 762 with threonine.
Molecular consequence: missense variant.
Genome position (GRCh38, 1-based): chr15:31,040,149, C>G on the plus strand (G>C on the coding strand, the complement: TRPM1 is on the minus strand). VCF-style: chr15-31040149-C-G. GRCh37 (hg19) VCF-style: chr15-31332352-C-G.
Other names: c.2336G>C, p.Arg779Thr (NM_001252020.2); c.2219G>C, p.Arg740Thr (NM_002420.6); short protein forms R779T, R740T, R762T.
Identifiers: ClinVar variation 884361 (VCV000884361.10), dbSNP rs199546092, ClinGen allele CA7452276.

ClinVar aggregate classification (germline): Conflicting classifications of pathogenicity. Review status: criteria provided, conflicting classifications (1 of 4 stars). 3 submissions from 3 submitters: Uncertain significance (2); Likely benign (1). Last evaluated 2024-05-06.

Conditions:
Congenital stationary night blindness 1C. Also called: Night blindness, congenital stationary (complete), 1C, autosomal recessive. Identifiers: Orphanet 215, MedGen C2750747, MONDO:0013183, OMIM 613216.

Allele frequency attached by ClinVar (database versions not stated): TOPMed 0.00002; gnomAD exomes 0.00003 and 0.00007; ExAC 0.00004; gnomAD 0.00005 and 0.00006; ESP Exome Variant Server 0.00008.
gnomAD v4.1: 59 of 1,614,122 alleles (0.0037%); highest among the groups gnomAD compares: Non-Finnish European, 0.00085%; no homozygotes.

Submissions (3):

Blueprint Genetics
Classification: Likely benign. Last evaluated: 2024-05-06. Review status: criteria provided, single submitter. Criteria: ACMG Guidelines, 2015. Collection method: clinical testing. Allele origin: germline.

Labcorp Genetics (formerly Invitae), Labcorp
Classification: Uncertain significance. Last evaluated: 2022-02-09. Review status: criteria provided, single submitter. Criteria: Invitae Variant Classification Sherloc (09022015). Collection method: clinical testing. Allele origin: germline.
Comment: Algorithms developed to predict the effect of missense changes on protein structure and function are either unavailable or do not agree on the potential impact of this missense change (SIFT: "Tolerated"; PolyPhen-2: "Possibly Damaging"; Align-GVGD: "Class C0"). This sequence change replaces arginine, which is basic and polar, with threonine, which is neutral and polar, at codon 740 of the TRPM1 protein (p.Arg740Thr). This variant is present in population databases (rs199546092, gnomAD 0.1%). This variant has not been reported in the literature in individuals affected with TRPM1-related conditions. ClinVar contains an entry for this variant (Variation ID: 884361). In summary, the available evidence is currently insufficient to determine the role of this variant in disease. Therefore, it has been classified as a Variant of Uncertain Significance.

Illumina Laboratory Services, Illumina
Classification: Uncertain significance for Congenital stationary night blindness 1C. Last evaluated: 2018-01-13. Review status: criteria provided, single submitter. Criteria: ICSL Variant Classification Criteria 13 December 2019. Collection method: clinical testing. Allele origin: germline.